The following is an entry in ClinVar:

NM_001136157.2(OTUD5):c.491G>A (p.Gly164Asp)

Gene: OTUD5 (OTU deubiquitinase 5; minus strand). Cytogenetic location: Xp11.23.
Variant type: single nucleotide variant.
Coding change: c.491G>A on transcript NM_001136157.2 (MANE Select); coding-DNA position 491, G replaced by A.
Protein change: p.Gly164Asp; replaces glycine 164 with aspartic acid.
Molecular consequence: missense variant. On other transcripts: intron variant (1).
Genome position (GRCh38, 1-based): chrX:48,957,080, C>T on the plus strand (G>A on the coding strand, the complement: OTUD5 is on the minus strand). VCF-style: chrX-48957080-C-T. GRCh37 (hg19) VCF-style: chrX-48814342-C-T.
Other names: c.491G>A, p.Gly164Asp (NM_001136158.2, NM_017602.4); c.-58+1152G>A (NM_001136159.2); short protein forms G164D.
Identifiers: ClinVar variation 1699370 (VCV001699370.3), dbSNP rs2147701465, ClinGen allele CA412919393.
Genomic context (GRCh38, chrX:48,957,080, plus strand): 5'-GCCGCCTCATACTCGTCCTCACTGTTGTAGCCTGCGCCGACCTCCTCACGCTCGGGACTG[C>T]CCCCGCCAACCGCGCCAACCCCGGGAGCTTGACGTCGCCGCTTGCTGTGCCCAGGCCCGG-3'
Protein context (NP_001129629.1, residues 154-174): QAPGVGAVGG[Gly164Asp]SPEREEVGAG

ClinVar aggregate classification (germline): Uncertain significance (1 of 4 stars; one submission).

Conditions:
Multiple congenital anomalies-neurodevelopmental syndrome, X-linked. Also called: LINKED SYNDROME. Identifiers: MedGen C5542341, MONDO:0025351, OMIM 301056.

gnomAD v4.1: 3 of 1,181,595 alleles (0.00025%); highest among the groups gnomAD compares: Non-Finnish European, 0.00034%; no homozygotes.

Submission:

Victorian Clinical Genetics Services, Murdoch Childrens Research Institute
Classification: Uncertain significance for Multiple congenital anomalies-neurodevelopmental syndrome, X-linked. Last evaluated: 2022-06-24. Review status: criteria provided, single submitter. Criteria: ACMG Guidelines, 2015. Collection method: clinical testing. Allele origin: germline. Inheritance: X-linked recessive inheritance. Affected: yes.
Comment: Based on the classification scheme VCGS_Germline_v1.3.4, this variant is classified as VUS-3B. Following criteria are met: 0102 - Loss of function is a known mechanism of disease in this gene and is associated with X-linked multiple congenital anomalies-neurodevelopmental syndrome (MIM#301056) (PMID: 33523931). (I) 0109 - This gene is associated with X-linked recessive disease. (I) 0115 - Variants in this gene are known to have variable expressivity. The severity of the disorder is highly variable (OMIM). (I) 0200 - Variant is predicted to result in a missense amino acid change from glycine to aspartic acid. (I) 0253 - This variant is hemizygous. (I) 0301 - Variant is absent from gnomAD (both v2 and v3). (SP) 0502 - Missense variant with conflicting in silico predictions and uninformative conservation. (I) 0604 - Variant is not located in an established domain, motif, hotspot or informative constraint region. (I) 0705 - No comparable missense variants have previous evidence for pathogenicity. (I) 0807 - This variant has no previous evidence of pathogenicity. (I) 0905 - No published segregation evidence has been identified for this variant. (I) 1007 - No published functional evidence has been identified for this variant. (I) Legend: (SP) - Supporting pathogenic, (I) - Information

Literature cited by the submitters: PubMed 33523931.